The following is an entry in ClinVar:

NM_000059.4(BRCA2):c.8848_8851del (p.Lys2950fs)

Gene: BRCA2 (BRCA2 DNA repair associated; plus strand). Cytogenetic location: 13q13.1.
Variant type: Deletion.
Coding change: c.8848_8851del on transcript NM_000059.4 (MANE Select); coding-DNA positions 8848 to 8851, 4 bases deleted (AAGG; older notation c.8848_8851delAAGG).
Protein change: p.Lys2950fs; shifts the reading frame from lysine 2950.
Molecular consequence: frameshift variant.
Genome position (GRCh38, 1-based): chr13:32,379,410-32,379,413, AAGG deleted; deleting any 4 consecutive bases within chr13:32,379,407-32,379,413 gives the same sequence; the c. name uses the placement nearest the transcript's 3' end. VCF-style (leftmost placement, unchanged base first): chr13-32379406-TAGGA-T. GRCh37 (hg19) VCF-style: chr13-32953543-TAGGA-T.
Other names: 9076del4; c.8848_8851delAAGG (NM_000059.3).
Identifiers: ClinVar variation 52690 (VCV000052690.7), dbSNP rs397508015, ClinGen allele CA025848.

ClinVar aggregate classification (germline): Pathogenic. Review status: reviewed by expert panel (3 of 4 stars). 2 submissions from 2 submitters: Pathogenic (1). 1 of the submissions does not count toward it. Last evaluated 2016-10-18.

Conditions:
Breast-ovarian cancer, familial, susceptibility to, 2 (BROVCA2). Also called: BRCA2 Hereditary Breast and Ovarian Cancer. Identifiers: Orphanet 145, MedGen C2675520, MONDO:0012933, OMIM 612555. Disease mechanism: loss of function.

Submissions (2):

Evidence-based Network for the Interpretation of Germline Mutant Alleles (ENIGMA)
Classification: Pathogenic for Breast-ovarian cancer, familial, susceptibility to, 2. Last evaluated: 2016-10-18. Review status: reviewed by expert panel. Criteria: ENIGMA BRCA1/2 Classification Criteria (2015). Collection method: curation. Allele origin: germline.
Comment: Variant allele predicted to encode a truncated non-functional protein.

Consortium of Investigators of Modifiers of BRCA1/2 (CIMBA), c/o University of Cambridge
Classification: Pathogenic for Breast-ovarian cancer, familial, susceptibility to, 2. Last evaluated: 2015-10-02. Review status: criteria provided, single submitter. Criteria: CIMBA Mutation Classification guidelines May 2016. Collection method: clinical testing. Allele origin: germline. Not counted in ClinVar's aggregate classification.